The following is an entry in ClinVar:

NM_001035.3(RYR2):c.11433A>C (p.Gln3811His)

Gene: RYR2 (ryanodine receptor 2; plus strand). Cytogenetic location: 1q43.
Variant type: single nucleotide variant.
Coding change: c.11433A>C on transcript NM_001035.3 (MANE Select); coding-DNA position 11433, A replaced by C.
Protein change: p.Gln3811His; replaces glutamine 3811 with histidine.
Molecular consequence: missense variant.
Genome position (GRCh38, 1-based): chr1:237,760,985, A>C. VCF-style: chr1-237760985-A-C. GRCh37 (hg19) VCF-style: chr1-237924285-A-C.
Other names: short protein forms Q3811H.
Identifiers: ClinVar variation 2775845 (VCV002775845.3), dbSNP rs1417706639, ClinGen allele CA345429963.

ClinVar aggregate classification (germline): Uncertain significance (1 of 4 stars; one submission).

Conditions:
Catecholaminergic polymorphic ventricular tachycardia 1. Also called: VENTRICULAR TACHYCARDIA, STRESS-INDUCED POLYMORPHIC 1; VENTRICULAR TACHYCARDIA, CATECHOLAMINERGIC POLYMORPHIC, 1, WITH OR WITHOUT ATRIAL DYSFUNCTION AND/OR DILATED CARDIOMYOPATHY; RYR2-Related Catecholaminergic Polymorphic Ventricular Tachycardia. Identifiers: Orphanet 3286, MedGen C1631597, MONDO:0011484, OMIM 604772.

Allele frequency attached by ClinVar (database versions not stated): gnomAD exomes below 0.00001; gnomAD 0.00001.
gnomAD v4.1: 2 of 1,579,774 alleles (0.00013%); highest among the groups gnomAD compares: Admixed American, 0.0036%; no homozygotes.

Submission:

Labcorp Genetics (formerly Invitae), Labcorp
Classification: Uncertain significance for Catecholaminergic polymorphic ventricular tachycardia 1. Last evaluated: 2023-06-05. Review status: criteria provided, single submitter. Criteria: Invitae Variant Classification Sherloc (09022015). Collection method: clinical testing. Allele origin: germline.
Comment: In summary, the available evidence is currently insufficient to determine the role of this variant in disease. Therefore, it has been classified as a Variant of Uncertain Significance. Advanced modeling of protein sequence and biophysical properties (such as structural, functional, and spatial information, amino acid conservation, physicochemical variation, residue mobility, and thermodynamic stability) has been performed at Invitae for this missense variant, however the output from this modeling did not meet the statistical confidence thresholds required to predict the impact of this variant on RYR2 protein function. This variant has not been reported in the literature in individuals affected with RYR2-related conditions. This variant is present in population databases (no rsID available, gnomAD 0.003%). This sequence change replaces glutamine, which is neutral and polar, with histidine, which is basic and polar, at codon 3811 of the RYR2 protein (p.Gln3811His).